The following is an entry in ClinVar:

NM_130839.5(UBE3A):c.819_821dup (p.Tyr274Ter)

Genes: SNHG14 (small nucleolar RNA host gene 14; plus strand), UBE3A (ubiquitin protein ligase E3A; minus strand). Cytogenetic location: 15q11.2.
Variant type: Duplication.
Coding change: c.819_821dup on transcript NM_130839.5 (MANE Select); coding-DNA positions 819 to 821, 3 bases duplicated (ATA; older notation c.819_821dupATA).
Protein change: p.Tyr274Ter; replaces tyrosine 274 with a stop codon.
Molecular consequence: nonsense. On other transcripts: non-coding transcript variant (1), intron variant (2).
Genome position (GRCh38, 1-based): chr15:25,371,353-25,371,355, TAT duplicated on the plus strand (ATA on the coding strand, the reverse complement: UBE3A is on the minus strand). VCF-style (leftmost placement, unchanged base first): chr15-25371352-G-GTAT. GRCh37 (hg19) VCF-style: chr15-25616499-G-GTAT.
Other names: c.759_761dup, p.Tyr254Ter (NM_001354513.2, NM_001354523.2, NM_001354526.1 and 17 more transcripts); c.819_821dup, p.Tyr274Ter (NM_001354538.2, NM_001354545.2, NM_001354505.1); c.642_644dup, p.Tyr215Ter (NM_001354546.2); c.828_830dup, p.Tyr277Ter (NM_000462.5); c.301+4110_301+4112dup (NM_001354551.2); c.361+4110_361+4112dup (NM_001354550.2); short protein forms Y215*, Y254*, Y274*, Y277*.
Identifiers: ClinVar variation 4855616 (VCV004855616.1).
Genomic context (GRCh38, chr15:25,371,352, plus strand): 5'-GTGGAGATTTCTATTCTCCATTACGATAATGAACAAATTCAGATAATTAGGATCTCGAGA[G>GTAT]TATACATTGTGATACGTCAAGTCACATTCCACGTTAGGTGACAAATATACAAGTGCATTG-3'

ClinVar aggregate classification (germline): Likely pathogenic (1 of 4 stars; one submission).

Conditions:
Angelman syndrome (AS). Also called: HAPPY PUPPET SYNDROME. Identifiers: Orphanet 72, MedGen C0162635, MONDO:0007113, OMIM 105830. Disease mechanism: loss of function. Inheritance: AS is caused by disruption of maternally imprinted UBE3A located within the 15q11.2-q13 Angelman syndrome/Prader-Willi syndrome (AS/PWS) region., imprinting disorder.

Submission:

3billion
Classification: Likely pathogenic for Angelman syndrome. Last evaluated: 2025-07-15. Review status: criteria provided, single submitter. Criteria: ACMG Guidelines, 2015. Collection method: clinical testing. Allele origin: germline. Affected: yes.
Comment: The variant is not observed in the gnomAD v4.1.0 dataset. Predicted Consequence/Location: Stop-gained (nonsense): predicted to result in a loss or disruption of normal protein function through nonsense-mediated decay (NMD) or protein truncation. Multiple pathogenic variants are reported downstream of the variant. Therefore, this variant is classified as Likely pathogenic according to the recommendation of ACMG/AMP guideline.